The following is an entry in ClinVar:

ClinVar aggregate classification (germline): Likely pathogenic (1 of 4 stars; one submission).

Submission:

Institute of Human Genetics, FAU Erlangen, Friedrich-Alexander-Universität Erlangen-Nürnberg
Classification: Likely pathogenic. Last evaluated: 2023-06-20. Review status: criteria provided, single submitter. Criteria: Hauer et al. (Genet Med. 2018). Collection method: clinical testing. Allele origin: germline. Inheritance: Autosomal dominant inheritance. Affected: yes. Observed: 1 variant allele.
Comment: This variant has been identified by standard clinical testing. de novo Selected ACMG criteria: Likely pathogenic (II):PP3;PM2;PS2

NM_001172509.2(SATB2):c.1961T>G (p.Leu654Arg)

Genes: SATB2 (SATB homeobox 2; minus strand), LOC126806462 (MED14-independent group 3 enhancer GRCh37_chr2:200136608-200137807; plus strand). Cytogenetic location: 2q33.1.
Variant type: single nucleotide variant.
Coding change: c.1961T>G on transcript NM_001172509.2 (MANE Select); coding-DNA position 1961, T replaced by G.
Protein change: p.Leu654Arg; replaces leucine 654 with arginine.
Molecular consequence: missense variant.
Genome position (GRCh38, 1-based): chr2:199,272,452, A>C on the plus strand (T>G on the coding strand, the complement: SATB2 is on the minus strand). VCF-style: chr2-199272452-A-C. GRCh37 (hg19) VCF-style: chr2-200137175-A-C.
Other names: c.1961T>G, p.Leu654Arg (NM_001172517.1, NM_015265.4); short protein forms L654R.
Identifiers: ClinVar variation 2505510 (VCV002505510.1), dbSNP rs2468783306, ClinGen allele CA350385616.
Genomic context (GRCh38, chr2:199,272,452, plus strand): 5'-CCGTGGTGCTTCACGTGGTACCGCTGGTTCTGGAAGAACTTGATGATGGTGTGTTTGGGG[A>C]GATCCAGCTGAGCCGAAAGAGTGTGGATGGCTTCCTGGTCTGGGTACAGGCCTACATCAT-3'
Protein context (NP_001165980.1, residues 644-664): AIHTLSAQLD[Leu654Arg]PKHTIIKFFQ